The following is an entry in ClinVar:

NM_182931.3(KMT2E):c.3400G>A (p.Gly1134Arg)

Gene: KMT2E (lysine methyltransferase 2E (inactive); plus strand). Cytogenetic location: 7q22.3.
Variant type: single nucleotide variant.
Coding change: c.3400G>A on transcript NM_182931.3 (MANE Select); coding-DNA position 3400, G replaced by A.
Protein change: p.Gly1134Arg; replaces glycine 1134 with arginine.
Molecular consequence: missense variant.
Genome position (GRCh38, 1-based): chr7:105,107,857, G>A. VCF-style: chr7-105107857-G-A. GRCh37 (hg19) VCF-style: chr7-104748304-G-A.
Other names: c.3400G>A, p.Gly1134Arg (NM_001410908.1, NM_018682.4); short protein forms G1134R.
Identifiers: ClinVar variation 4763942 (VCV004763942.1).

ClinVar aggregate classification (germline): Uncertain significance (1 of 4 stars; one submission).

gnomAD v4.1: 6 of 1,613,906 alleles (0.00037%); highest among the groups gnomAD compares: African/African-American, 0.0013%; no homozygotes.

Submission:

Labcorp Genetics (formerly Invitae), Labcorp
Classification: Uncertain significance. Last evaluated: 2025-06-15. Review status: criteria provided, single submitter. Criteria: Invitae Variant Classification Sherloc (09022015). Collection method: clinical testing. Allele origin: germline.
Comment: This sequence change replaces glycine, which is neutral and non-polar, with arginine, which is basic and polar, at codon 1134 of the KMT2E protein (p.Gly1134Arg). This variant is present in population databases (rs148285085, gnomAD 0.002%). This variant has not been reported in the literature in individuals affected with KMT2E-related conditions. Invitae Evidence Modeling of protein sequence and biophysical properties (such as structural, functional, and spatial information, amino acid conservation, physicochemical variation, residue mobility, and thermodynamic stability) indicates that this missense variant is not expected to disrupt KMT2E protein function with a negative predictive value of 80%. In summary, the available evidence is currently insufficient to determine the role of this variant in disease. Therefore, it has been classified as a Variant of Uncertain Significance.